The following is an entry in ClinVar:

ClinVar aggregate classification (germline): Conflicting classifications of pathogenicity. Review status: criteria provided, conflicting classifications (1 of 4 stars). 3 submissions from 3 submitters: Uncertain significance (2); Likely benign (1). Last evaluated 2026-01-04.

Conditions:
MET-related disorder. Also called: MET-related condition.
Hereditary cancer-predisposing syndrome. Also called: Neoplastic Syndromes, Hereditary; Tumor predisposition; Hereditary Cancer Syndrome; Hereditary neoplastic syndrome. Identifiers: Orphanet 140162, MedGen C0027672, MeSH D009386, MONDO:0015356.
Renal cell carcinoma. Identifiers: Orphanet 217071, MedGen C0007134, MeSH D002292, MONDO:0005086, HP:0005584.

Allele frequency attached by ClinVar (database versions not stated): TOPMed below 0.00001; gnomAD 0.00001; gnomAD exomes 0.00001; ExAC 0.00002.
gnomAD v4.1: 14 of 1,613,926 alleles (0.00087%); highest among the groups gnomAD compares: South Asian, 0.0099%; no homozygotes.

Submissions (3):

Labcorp Genetics (formerly Invitae), Labcorp
Classification: Uncertain significance for Renal cell carcinoma. Last evaluated: 2026-01-04. Review status: criteria provided, single submitter. Criteria: Invitae Variant Classification Sherloc (09022015). Collection method: clinical testing. Allele origin: germline.
Comment: This sequence change replaces valine, which is neutral and non-polar, with phenylalanine, which is neutral and non-polar, at codon 81 of the MET protein (p.Val81Phe). This variant is present in population databases (rs757883355, gnomAD 0.006%). This variant has not been reported in the literature in individuals affected with MET-related conditions. ClinVar contains an entry for this variant (Variation ID: 651869). Invitae Evidence Modeling of protein sequence and biophysical properties (such as structural, functional, and spatial information, amino acid conservation, physicochemical variation, residue mobility, and thermodynamic stability) indicates that this missense variant is not expected to disrupt MET protein function with a negative predictive value of 80%. In summary, the available evidence is currently insufficient to determine the role of this variant in disease. Therefore, it has been classified as a Variant of Uncertain Significance.

Ambry Genetics
Classification: Likely benign for Hereditary cancer-predisposing syndrome. Last evaluated: 2024-08-22. Review status: criteria provided, single submitter. Criteria: Ambry Variant Classification Scheme 2023. Collection method: clinical testing. Allele origin: germline.

PreventionGenetics, part of Exact Sciences
Classification: Uncertain significance for MET-related condition. Last evaluated: 2022-12-05. Review status: criteria provided, single submitter. Criteria: ACMG Guidelines, 2015. Collection method: clinical testing. Allele origin: germline.
Comment: The MET c.241G>T variant is predicted to result in the amino acid substitution p.Val81Phe. To our knowledge, this variant has not been reported in the literature. This variant is reported in 0.0065% of alleles in individuals of South Asian descent in gnomAD and is interpreted as uncertain significance in ClinVar. At this time, the clinical significance of this variant is uncertain due to the absence of conclusive functional and genetic evidence.

NM_000245.4(MET):c.241G>T (p.Val81Phe)

Gene: MET (MET proto-oncogene, receptor tyrosine kinase; plus strand). Cytogenetic location: 7q31.2.
Variant type: single nucleotide variant.
Coding change: c.241G>T on transcript NM_000245.4 (MANE Select); coding-DNA position 241, G replaced by T.
Protein change: p.Val81Phe; replaces valine 81 with phenylalanine.
Molecular consequence: missense variant. On other transcripts: intron variant (1).
Genome position (GRCh38, 1-based): chr7:116,699,325, G>T. VCF-style: chr7-116699325-G-T. GRCh37 (hg19) VCF-style: chr7-116339379-G-T.
Other names: c.241G>T, p.Val81Phe (NM_001127500.3, NM_001324401.3); c.-91+26748G>T (NM_001324402.2); c.241G>T (NM_001127500.2); short protein forms V81F.
Identifiers: ClinVar variation 651869 (VCV000651869.15), dbSNP rs757883355, ClinGen allele CA4447966.